The following is an entry in ClinVar:

NM_015629.4(PRPF31):c.1073+5G>A

Gene: PRPF31 (pre-mRNA processing factor 31; plus strand). Cytogenetic location: 19q13.42.
Variant type: single nucleotide variant.
Coding change: c.1073+5G>A on transcript NM_015629.4 (MANE Select); 5 bases into the intron after coding-DNA position 1073, G replaced by A.
Molecular consequence: intron variant.
Genome position (GRCh38, 1-based): chr19:54,128,205, G>A. VCF-style: chr19-54128205-G-A. GRCh37 (hg19) VCF-style: chr19-54631580-G-A.
Identifiers: ClinVar variation 636224 (VCV000636224.12), dbSNP rs759589041, ClinGen allele CA309329323.

ClinVar aggregate classification (germline): Conflicting classifications of pathogenicity. Review status: criteria provided, conflicting classifications (1 of 4 stars). 5 submissions from 5 submitters: Likely pathogenic (2); Benign (1); Likely benign (1). 1 of the submissions does not count toward it. Last evaluated 2025-11-23.

Conditions:
Retinal dystrophy. Also called: Inherited retinal dystrophy. Identifiers: Orphanet 71862, MedGen C0854723, MeSH D058499, MONDO:0019118, HP:0000556.
PRPF31-related disorder. Also called: PRPF31-related condition.
Retinal disorder. Also called: Retinal disorders; Retinopathies; Retinal Diseases; Retinopathy. Identifiers: MedGen C0035309, MONDO:0005283, HP:0000488.

Allele frequency attached by ClinVar (database versions not stated): gnomAD exomes 0.00010; TOPMed 0.00014; gnomAD 0.00017 and 0.00018; ExAC 0.00030.

Submissions (5):

Labcorp Genetics (formerly Invitae), Labcorp
Classification: Benign. Last evaluated: 2025-11-23. Review status: criteria provided, single submitter. Criteria: Invitae Variant Classification Sherloc (09022015). Collection method: clinical testing. Allele origin: germline.

Genetics Laboratory, Great Ormond Street Hospital NHS Foundation Trust, North Thames Genomic Laboratory Hub
Classification: Likely pathogenic for Retinal disorders. Last evaluated: 2025-08-12. Review status: criteria provided, single submitter. Criteria: ACGS Best Practice Guidelines for Variant Classification in Rare Disease 2024 v1.2. Collection method: clinical testing. Allele origin: germline. Affected: yes.
Comment: PM2_moderate, PP3_supporting, PM3_strong

PreventionGenetics, part of Exact Sciences
Classification: Likely benign for PRPF31-related condition. Last evaluated: 2025-06-02. Review status: criteria provided, single submitter. Criteria: ACMG Guidelines, 2015. Collection method: clinical testing. Allele origin: germline.
Comment: This variant is classified as likely benign based on ACMG/AMP sequence variant interpretation guidelines (Richards et al. 2015 PMID: 25741868, with internal and published modifications).

Blueprint Genetics
Classification: Likely pathogenic for PRPF31-related disorders. Last evaluated: 2024-04-29. Review status: criteria provided, single submitter. Criteria: ACMG Guidelines, 2015. Collection method: clinical testing. Allele origin: germline. Affected: yes. Observed: 5 variant alleles.

Department of Clinical Genetics, Copenhagen University Hospital, Rigshospitalet
Classification: Uncertain significance for Retinal dystrophy. Last evaluated: 2018-04-01. Review status: no assertion criteria provided. Collection method: research. Allele origin: unknown. Affected: yes. Study: VeluxRD. Not counted in ClinVar's aggregate classification.

Literature cited by the submitters: PubMed 30718709 (cited by Department of Clinical Genetics, Copenhagen University Hospital, Rigshospitalet).